The following is an entry in ClinVar:

ClinVar aggregate classification (germline): Uncertain significance (1 of 4 stars; one submission).

Submission:

Ambry Genetics
Classification: Uncertain significance. Last evaluated: 2025-06-25. Review status: criteria provided, single submitter. Criteria: Ambry Variant Classification Scheme 2023. Collection method: clinical testing. Allele origin: germline.
Comment: The p.E461A variant (also known as c.1382A>C), located in coding exon 8 of the ATRIP gene, results from an A to C substitution at nucleotide position 1382. The glutamic acid at codon 461 is replaced by alanine, an amino acid with dissimilar properties. This amino acid position is conserved. In addition, this alteration is predicted to be tolerated by in silico analysis. Based on the available evidence, the clinical significance of this variant remains unclear.

NM_130384.3(ATRIP):c.1382A>C (p.Glu461Ala)

Genes: ATRIP (ATR interacting protein; plus strand), ATRIP-TREX1 (ATRIP-TREX1 readthrough; plus strand). Cytogenetic location: 3p21.31.
Variant type: single nucleotide variant.
Coding change: c.1382A>C on transcript NM_130384.3 (MANE Select); coding-DNA position 1382, A replaced by C.
Protein change: p.Glu461Ala; replaces glutamic acid 461 with alanine.
Molecular consequence: missense variant. On other transcripts: non-coding transcript variant (1).
Genome position (GRCh38, 1-based): chr3:48,460,436, A>C. VCF-style: chr3-48460436-A-C. GRCh37 (hg19) VCF-style: chr3-48501835-A-C.
Other names: c.1001A>C, p.Glu334Ala (NM_001271022.2); c.1103A>C, p.Glu368Ala (NM_001271023.2); c.1382A>C, p.Glu461Ala (NM_032166.4); short protein forms E461A, E368A, E334A.
Identifiers: ClinVar variation 4181885 (VCV004181885.1).
Genomic context (GRCh38, chr3:48,460,436, plus strand): 5'-AGAGAAGCGGAGCACCTGGGGACTCACCGACACATTCCTCCTGCGTGAGCTCTGGGGTAG[A>C]GACCAACCCTGAGGACTCAGTGTGCATCCTGGAAGGCTTCTCTGTGACTGCACTTAGCAT-3'
Protein context (NP_569055.1, residues 451-471): THSSCVSSGV[Glu461Ala]TNPEDSVCIL